The following is an entry in ClinVar:

ClinVar aggregate classification (germline): Uncertain significance (1 of 4 stars; one submission).

Submission:

GeneDx
Classification: Uncertain significance. Last evaluated: 2021-06-04. Review status: criteria provided, single submitter. Criteria: GeneDx Variant Classification Process June 2021. Collection method: clinical testing. Allele origin: germline. Affected: yes.
Comment: Not observed at significant frequency in large population cohorts (Lek et al., 2016); In silico analysis supports that this missense variant has a deleterious effect on protein structure/function; Has not been previously published as pathogenic or benign to our knowledge; This variant is associated with the following publications: (PMID: 27535533)

NM_000256.3(MYBPC3):c.328C>A (p.Pro110Thr)

Gene: MYBPC3 (myosin binding protein C3; minus strand). Cytogenetic location: 11p11.2.
Variant type: single nucleotide variant.
Coding change: c.328C>A on transcript NM_000256.3 (MANE Select); coding-DNA position 328, C replaced by A.
Protein change: p.Pro110Thr; replaces proline 110 with threonine.
Molecular consequence: missense variant.
Genome position (GRCh38, 1-based): chr11:47,350,580, G>T on the plus strand (C>A on the coding strand, the complement: MYBPC3 is on the minus strand). VCF-style: chr11-47350580-G-T. GRCh37 (hg19) VCF-style: chr11-47372131-G-T.
Other names: short protein forms P110T.
Identifiers: ClinVar variation 1315161 (VCV001315161.2), dbSNP rs2142868767, ClinGen allele CA380340933.
Genomic context (GRCh38, chr11:47,350,580, plus strand): 5'-TTTCTCCCAGCTCAGCGGCTGGGGCCGGGGCTTCTCCAGGGGCTCCAGTGGCCTCAGCAG[G>T]GGCAGGGGCAGGGGCCAGCATGGGCTCTGCCTTCTCTGGAGGGGATCAGATGGGAGTCGT-3'
Protein context (NP_000247.2, residues 100-120): AEPMLAPAPA[Pro110Thr]AEATGAPGEA